The following is an entry in ClinVar:

ClinVar aggregate classification (germline): Pathogenic/Likely pathogenic. Review status: criteria provided, multiple submitters, no conflicts (2 of 4 stars). 3 submissions from 3 submitters: Pathogenic (1); Likely pathogenic (2). Last evaluated 2025-09-24.

Conditions:
Early-infantile DEE. Also called: Early infantile epileptic encephalopathy; Ohtahara syndrome; Early infantile epileptic encephalopathy with suppression bursts. Identifiers: Orphanet 1934, MedGen C0393706, MONDO:0800491.
Developmental and epileptic encephalopathy, 15 (DEE15). Also called: Early infantile epileptic encephalopathy 15. Identifiers: Orphanet 3451, MedGen C3554316, MONDO:0014003, OMIM 615006.

Allele frequency attached by ClinVar (database versions not stated): gnomAD exomes 0.00002 and 0.00003; ESP Exome Variant Server 0.00008; TOPMed below 0.00001; ExAC 0.00001.
gnomAD v4.1: 41 of 1,614,162 alleles (0.0025%); highest among the groups gnomAD compares: Non-Finnish European, 0.0034%; no homozygotes.

Submissions (3):

GeneDx
Classification: Likely pathogenic. Last evaluated: 2025-09-24. Review status: criteria provided, single submitter. Criteria: GeneDx Variant Classification Process June 2021. Collection method: clinical testing. Allele origin: germline. Affected: yes.
Comment: Canonical splice site variant predicted to result in an in-frame loss of the adjacent exon in a gene for which loss of function is a known mechanism of disease; Not observed at significant frequency in large population cohorts (gnomAD); Has not been previously published as pathogenic or benign to our knowledge

Labcorp Genetics (formerly Invitae), Labcorp
Classification: Likely pathogenic for Early-infantile DEE. Last evaluated: 2025-05-22. Review status: criteria provided, single submitter. Criteria: Invitae Variant Classification Sherloc (09022015). Collection method: clinical testing. Allele origin: germline.
Comment: This sequence change affects a donor splice site in intron 3 of the ST3GAL3 gene. It is expected to disrupt RNA splicing. Variants that disrupt the donor or acceptor splice site typically lead to a loss of protein function (PMID: 16199547), and loss-of-function variants in ST3GAL3 are known to be pathogenic (PMID: 31584066). This variant is present in population databases (rs148531289, gnomAD 0.004%). This variant has not been reported in the literature in individuals affected with ST3GAL3-related conditions. ClinVar contains an entry for this variant (Variation ID: 1028498). Algorithms developed to predict the effect of sequence changes on RNA splicing suggest that this variant may disrupt the consensus splice site. In summary, the currently available evidence indicates that the variant is pathogenic, but additional data are needed to prove that conclusively. Therefore, this variant has been classified as Likely Pathogenic.

Baylor Genetics
Classification: Pathogenic for Developmental and epileptic encephalopathy, 15. Last evaluated: 2020-10-19. Review status: criteria provided, single submitter. Criteria: ACMG Guidelines, 2015. Collection method: clinical testing. Allele origin: unknown. Affected: yes.
Comment: This variant was determined to be pathogenic according to ACMG Guidelines, 2015 [PMID:25741868].

Literature cited by the submitters: PubMed 16199547 (cited by Labcorp Genetics (formerly Invitae), Labcorp); PubMed 31584066 (cited by Labcorp Genetics (formerly Invitae), Labcorp).

NM_006279.5(ST3GAL3):c.166+1G>A

Gene: ST3GAL3 (ST3 beta-galactoside alpha-2,3-sialyltransferase 3; plus strand). Cytogenetic location: 1p34.1.
Variant type: single nucleotide variant.
Coding change: c.166+1G>A on transcript NM_006279.5 (MANE Select); the canonical splice donor site of the intron after coding-DNA position 166, G replaced by A.
Molecular consequence: splice donor variant. On other transcripts: intron variant (10).
Genome position (GRCh38, 1-based): chr1:43,792,150, G>A. VCF-style: chr1-43792150-G-A. GRCh37 (hg19) VCF-style: chr1-44257821-G-A.
Other names: c.211+1G>A (NM_174963.5, NM_001350619.2, NM_174964.4 and 1 more transcripts); c.164-22741G>A (NM_001270465.3, NM_001270463.3); c.166+1G>A (NM_174968.5, NM_001363573.2, NM_001350620.2 and 4 more transcripts); c.-288+1G>A (NM_001350621.2); c.119-22741G>A (NM_174971.5, NM_001410781.1, NM_174969.4 and 5 more transcripts).
Identifiers: ClinVar variation 1028498 (VCV001028498.9), dbSNP rs148531289, ClinGen allele CA814513.
Genomic context (GRCh38, chr1:43,792,150, plus strand): 5'-CTTGTGTTGCAGATTCAGTGGTTCTTTCCTTTGACTCCGCTGGACAAACACTAGGCTCAG[G>A]TACCAACTCTTCCCCCTCTATCATCTTTTTGGCCTTCAATATTAGCCATATTTTTTGTGA-3'